The following is an entry in ClinVar:

NM_002439.5(MSH3):c.790G>C (p.Glu264Gln)

Gene: MSH3 (mutS homolog 3; plus strand). Cytogenetic location: 5q14.1.
Variant type: single nucleotide variant.
Coding change: c.790G>C on transcript NM_002439.5 (MANE Select); coding-DNA position 790, G replaced by C.
Protein change: p.Glu264Gln; replaces glutamic acid 264 with glutamine.
Molecular consequence: missense variant.
Genome position (GRCh38, 1-based): chr5:80,670,307, G>C. VCF-style: chr5-80670307-G-C. GRCh37 (hg19) VCF-style: chr5-79966126-G-C.
Other names: short protein forms E264Q.
Identifiers: ClinVar variation 660627 (VCV000660627.8), dbSNP rs766997264, ClinGen allele CA360267032.
Genomic context (GRCh38, chr5:80,670,307, plus strand): 5'-AAAGATGCAGTTTTGTGTGTGGAATGTGGATATAAGTATAGATTCTTTGGGGAAGATGCA[G>C]AGGTAAGTCGTCTTTTCAGGCACTATTTTATATTTTTCTTGTCTAGCCTTAGATATTTTT-3'
Protein context (NP_002430.3, residues 254-274): YKYRFFGEDA[Glu264Gln]IAARELNIYC

ClinVar aggregate classification (germline): Uncertain significance (1 of 4 stars; one submission).

Submission:

Labcorp Genetics (formerly Invitae), Labcorp
Classification: Uncertain significance. Last evaluated: 2018-09-11. Review status: criteria provided, single submitter. Criteria: Invitae Variant Classification Sherloc (09022015). Collection method: clinical testing. Allele origin: germline.
Comment: In summary, the available evidence is currently insufficient to determine the role of this variant in disease. Therefore, it has been classified as a Variant of Uncertain Significance. Algorithms developed to predict the effect of missense changes on protein structure and function are either unavailable or do not agree on the potential impact of this missense change (SIFT: "Tolerated"; PolyPhen-2: "Possibly Damaging"; Align-GVGD: "Class C0"). This variant has not been reported in the literature in individuals with MSH3-related disease. This variant is not present in population databases (ExAC no frequency). This sequence change replaces glutamic acid with glutamine at codon 264 of the MSH3 protein (p.Glu264Gln). The glutamic acid residue is highly conserved and there is a small physicochemical difference between glutamic acid and glutamine.